The following is an entry in ClinVar:

ClinVar aggregate classification (germline): Uncertain significance. Review status: criteria provided, multiple submitters, no conflicts (2 of 4 stars). 3 submissions from 3 submitters: Uncertain significance (3). Last evaluated 2022-06-07.

Conditions:
Developmental and epileptic encephalopathy. Identifiers: MedGen C5779964, MONDO:0100620.

Allele frequency attached by ClinVar (database versions not stated): gnomAD 0.00001; TOPMed 0.00002; gnomAD exomes 0.00003; ExAC 0.00004.
gnomAD v4.1: 17 of 1,612,880 alleles (0.0011%); highest among the groups gnomAD compares: South Asian, 0.0055%; no homozygotes.

Submissions (3):

Labcorp Genetics (formerly Invitae), Labcorp
Classification: Uncertain significance for Early-infantile DEE. Last evaluated: 2022-06-07. Review status: criteria provided, single submitter. Criteria: Invitae Variant Classification Sherloc (09022015). Collection method: clinical testing. Allele origin: germline.
Comment: This sequence change replaces arginine, which is basic and polar, with histidine, which is basic and polar, at codon 58 of the SLC25A22 protein (p.Arg58His). This variant is present in population databases (rs754048758, gnomAD 0.02%). This variant has not been reported in the literature in individuals affected with SLC25A22-related conditions. Algorithms developed to predict the effect of missense changes on protein structure and function are either unavailable or do not agree on the potential impact of this missense change (SIFT: "Deleterious"; PolyPhen-2: "Probably Damaging"; Align-GVGD: "Class C0"). In summary, the available evidence is currently insufficient to determine the role of this variant in disease. Therefore, it has been classified as a Variant of Uncertain Significance.

GeneDx
Classification: Uncertain significance. Last evaluated: 2022-01-31. Review status: criteria provided, single submitter. Criteria: GeneDx Variant Classification Process June 2021. Collection method: clinical testing. Allele origin: germline. Affected: yes.
Comment: In silico analysis supports that this missense variant has a deleterious effect on protein structure/function; Has not been previously published as pathogenic or benign to our knowledge

AiLife Diagnostics
Classification: Uncertain significance. Last evaluated: 2020-04-29. Review status: criteria provided, single submitter. Criteria: ACMG Guidelines, 2015. Collection method: clinical testing. Allele origin: germline. Affected: yes. Observed: 1 variant allele.

NM_001191061.2(SLC25A22):c.173G>A (p.Arg58His)

Gene: SLC25A22 (solute carrier family 25 member 22; minus strand). Cytogenetic location: 11p15.5.
Variant type: single nucleotide variant.
Coding change: c.173G>A on transcript NM_001191061.2 (MANE Select); coding-DNA position 173, G replaced by A.
Protein change: p.Arg58His; replaces arginine 58 with histidine.
Molecular consequence: missense variant.
Genome position (GRCh38, 1-based): chr11:794,487, C>T on the plus strand (G>A on the coding strand, the complement: SLC25A22 is on the minus strand). VCF-style: chr11-794487-C-T. GRCh37 (hg19) VCF-style: chr11-794487-C-T.
Other names: c.173G>A, p.Arg58His (NM_001191060.2, NM_024698.6); short protein forms R58H.
Identifiers: ClinVar variation 1508757 (VCV001508757.6), dbSNP rs754048758, ClinGen allele CA5789339.